The following is an entry in ClinVar:

ClinVar aggregate classification (germline): Conflicting classifications of pathogenicity. Review status: criteria provided, conflicting classifications (1 of 4 stars). 2 submissions from 2 submitters: Likely pathogenic (1); Uncertain significance (1). Last evaluated 2025-10-07.

Conditions:
Juvenile polyposis syndrome (JPS). Identifiers: Orphanet 2929, MedGen C0345893, MONDO:0017380, OMIM 174900.
Juvenile polyposis/hereditary hemorrhagic telangiectasia syndrome (JPHT). Also called: JP/HHT SYNDROME; JUVENILE POLYPOSIS WITH HEREDITARY HEMORRHAGIC TELANGIECTASIA; POLYPOSIS, GENERALIZED JUVENILE, WITH PULMONARY ARTERIOVENOUS MALFORMATION; TELANGIECTASIA, HEREDITARY HEMORRHAGIC, WITH JUVENILE POLYPOSIS COLI; Juvenile Polyposis Syndrome / Hereditary Hemorrhagic Telangiectasia (JPS/HHT). Identifiers: Orphanet 2929, MedGen C1832942, MONDO:0008278, OMIM 175050.

Submissions (2):

University of Washington Department of Laboratory Medicine, University of Washington
Classification: Likely pathogenic for Juvenile polyposis syndrome. Last evaluated: 2025-10-07. Review status: criteria provided, single submitter. Criteria: Shirts BH et al. (Am J Hum Genet 2018). Collection method: clinical testing. Allele origin: germline. Affected: yes.
Comment: We classify the SMAD4 c.1157G>T (p.Gly386Val) variant as likely pathogenic based on internal data. This variant alters glycine to valine at codon 386. The codon is highly constrained and a different amino acid change at the same position (p.Gly386Asp) has been reported as pathogenic in ClinVar (VCV000008545.3), supporting PM5_supporting. SMAD4 is a gene in which missense variants are a common mechanism of disease and benign missense variation is rare, supporting PP2_supporting. This variant is absent from large population databases, including gnomAD (v4.0.0), meeting PM2_supporting. Computational prediction tools suggest a deleterious effect on protein structure and function, supporting PP3. The clinical phenotype of the affected individual, including juvenile polyposis with concordant somatic second hits in SMAD4, is highly specific for SMAD4-related hereditary polyposis syndromes, supporting PP4. Taken together, the internal data, the tumor molecular phenotype, presence of second somatic hits consistent with a “two-hit” mechanism, rarity in population databases, computational predictions, and codon-specific prior pathogenic evidence support a likely pathogenic classification for this variant.

Molecular Pathology, Peter Maccallum Cancer Centre
Classification: Uncertain significance for Juvenile polyposis/hereditary hemorrhagic telangiectasia syndrome. Last evaluated: 2025-02-27. Review status: criteria provided, single submitter. Criteria: ACMG Guidelines, 2015. Collection method: clinical testing. Allele origin: germline. Inheritance: Autosomal dominant inheritance.

NM_005359.6(SMAD4):c.1157G>T (p.Gly386Val)

Gene: SMAD4 (SMAD family member 4; plus strand). Cytogenetic location: 18q21.2.
Variant type: single nucleotide variant.
Coding change: c.1157G>T on transcript NM_005359.6 (MANE Select); coding-DNA position 1157, G replaced by T.
Protein change: p.Gly386Val; replaces glycine 386 with valine.
Molecular consequence: missense variant.
Genome position (GRCh38, 1-based): chr18:51,067,036, G>T. VCF-style: chr18-51067036-G-T. GRCh37 (hg19) VCF-style: chr18-48593406-G-T.
Other names: c.1157G>T (NM_005359.5); short protein forms G386V.
Identifiers: ClinVar variation 4056213 (VCV004056213.2), dbSNP rs121912580.